The following is an entry in ClinVar:

ClinVar aggregate classification (germline): Likely benign (0 of 4 stars; one submission).

Conditions:
CLDN1-related disorder. Also called: CLDN1-related condition.

Submission:

PreventionGenetics, part of Exact Sciences
Classification: Likely benign for CLDN1-related condition. Last evaluated: 2024-08-06. Review status: no assertion criteria provided. Collection method: clinical testing. Allele origin: germline.
Comment: This variant is classified as likely benign based on ACMG/AMP sequence variant interpretation guidelines (Richards et al. 2015 PMID: 25741868, with internal and published modifications).

NM_021101.5(CLDN1):c.510T>C (p.Ala170=)

Genes: CLDN16 (claudin 16; plus strand), CLDN1 (claudin 1; minus strand). Cytogenetic location: 3q28.
Variant type: single nucleotide variant.
Coding change: c.510T>C on transcript NM_021101.5 (MANE Select); coding-DNA position 510, T replaced by C.
Protein change: p.Ala170=; no amino-acid change (alanine 170 retained).
Molecular consequence: synonymous variant. On other transcripts: intron variant (2).
Genome position (GRCh38, 1-based): chr3:190,308,403, A>G on the plus strand (T>C on the coding strand, the complement: CLDN1 is on the minus strand). VCF-style: chr3-190308403-A-G. GRCh37 (hg19) VCF-style: chr3-190026192-A-G.
Other names: c.-445-6490A>G (NM_001378492.1); c.-279+17812A>G (NM_001378493.1).
Identifiers: ClinVar variation 3346134 (VCV003346134.1).